The following is an entry in ClinVar:

NM_001017975.6(HFM1):c.831A>G (p.Glu277=)

Gene: HFM1 (helicase for meiosis 1; minus strand). Cytogenetic location: 1p22.2.
Variant type: single nucleotide variant.
Coding change: c.831A>G on transcript NM_001017975.6 (MANE Select); coding-DNA position 831, A replaced by G.
Protein change: p.Glu277=; no amino-acid change (glutamic acid 277 retained).
Molecular consequence: synonymous variant. On other transcripts: non-coding transcript variant (1).
Genome position (GRCh38, 1-based): chr1:91,380,954, T>C on the plus strand (A>G on the coding strand, the complement: HFM1 is on the minus strand). VCF-style: chr1-91380954-T-C. GRCh37 (hg19) VCF-style: chr1-91846511-T-C.
Identifiers: ClinVar variation 3052849 (VCV003052849.2), dbSNP rs201688317, ClinGen allele CA946396.

ClinVar aggregate classification (germline): Likely benign (0 of 4 stars; one submission).

Conditions:
HFM1-related disorder. Also called: HFM1-related condition.

Allele frequency attached by ClinVar (database versions not stated): gnomAD exomes 0.00007; TOPMed 0.00013; gnomAD 0.00014; ExAC 0.00022; 1000 Genomes Project 0.00060; 1000 Genomes Project 30x 0.00078.
gnomAD v4.1: 119 of 1,460,734 alleles (0.0081%); highest among the groups gnomAD compares: East Asian, 0.23%; no homozygotes.

Submission:

PreventionGenetics, part of Exact Sciences
Classification: Likely benign for HFM1-related condition. Last evaluated: 2019-08-21. Review status: no assertion criteria provided. Collection method: clinical testing. Allele origin: germline.
Comment: This variant is classified as likely benign based on ACMG/AMP sequence variant interpretation guidelines (Richards et al. 2015 PMID: 25741868, with internal and published modifications).